The following is an entry in ClinVar:

NM_018082.6(POLR3B):c.*5G>A

Genes: POLR3B (RNA polymerase III subunit B; plus strand), LOC100287944 (uncharacterized LOC100287944; minus strand). Cytogenetic location: 12q23.3.
Variant type: single nucleotide variant.
Coding change: c.*5G>A on transcript NM_018082.6 (MANE Select); 5 bases downstream of the stop codon, G replaced by A.
Molecular consequence: 3 prime UTR variant.
Genome position (GRCh38, 1-based): chr12:106,509,554, G>A. VCF-style: chr12-106509554-G-A. GRCh37 (hg19) VCF-style: chr12-106903332-G-A.
Other names: c.*5G>A (NM_001160708.2).
Identifiers: ClinVar variation 3353508 (VCV003353508.1).

ClinVar aggregate classification (germline): Likely benign (0 of 4 stars; one submission).

Conditions:
POLR3B-related disorder. Also called: POLR3B-related condition; POLR3B-related disorders. Identifiers: MedGen CN378588, MONDO:0700277.

gnomAD v4.1: 412 of 1,610,534 alleles (0.026%); highest among the groups gnomAD compares: Middle Eastern, 0.2%; 2 homozygotes.

Submission:

PreventionGenetics, part of Exact Sciences
Classification: Likely benign for POLR3B-related condition. Last evaluated: 2024-09-27. Review status: no assertion criteria provided. Collection method: clinical testing. Allele origin: germline.
Comment: This variant is classified as likely benign based on ACMG/AMP sequence variant interpretation guidelines (Richards et al. 2015 PMID: 25741868, with internal and published modifications).